The following is an entry in ClinVar:

NM_024598.4(USB1):c.729G>A (p.Leu243=)

Gene: USB1 (U6 snRNA biogenesis phosphodiesterase 1; plus strand). Cytogenetic location: 16q21.
Variant type: single nucleotide variant.
Coding change: c.729G>A on transcript NM_024598.4 (MANE Select); coding-DNA position 729, G replaced by A.
Protein change: p.Leu243=; no amino-acid change (leucine 243 retained).
Molecular consequence: synonymous variant.
Genome position (GRCh38, 1-based): chr16:58,020,176, G>A. VCF-style: chr16-58020176-G-A. GRCh37 (hg19) VCF-style: chr16-58054080-G-A.
Other names: p.Leu243=; c.675G>A, p.Leu225= (NM_001195302.2); c.576G>A, p.Leu192= (NM_001330568.2).
Identifiers: ClinVar variation 779166 (VCV000779166.12), dbSNP rs190283472, ClinGen allele CA8085043.

ClinVar aggregate classification (germline): Likely benign. Review status: criteria provided, multiple submitters, no conflicts (2 of 4 stars). 4 submissions from 4 submitters: Likely benign (4). Last evaluated 2025-12-03.

Conditions:
Inborn genetic diseases. Identifiers: MedGen C0950123, MeSH D030342.

Allele frequency attached by ClinVar (database versions not stated): ESP Exome Variant Server 0.00008; gnomAD exomes 0.00010 and 0.00021; ExAC 0.00014; gnomAD 0.00016 and 0.00018; TOPMed 0.00020; 1000 Genomes Project 30x 0.00047; 1000 Genomes Project 0.00060.
gnomAD v4.1: 187 of 1,614,176 alleles (0.012%); highest among the groups gnomAD compares: Middle Eastern, 0.16%; 1 homozygote.

Submissions (4):

Labcorp Genetics (formerly Invitae), Labcorp
Classification: Likely benign. Last evaluated: 2025-12-03. Review status: criteria provided, single submitter. Criteria: Invitae Variant Classification Sherloc (09022015). Collection method: clinical testing. Allele origin: germline.

Mayo Clinic Laboratories, Mayo Clinic
Classification: Likely benign. Last evaluated: 2025-08-14. Review status: criteria provided, single submitter. Criteria: ACMG Guidelines, 2015. Collection method: clinical testing. Allele origin: germline. Observed: 1 variant allele.
Comment: BP4, BP7

Ambry Genetics
Classification: Likely benign for Inborn genetic diseases. Last evaluated: 2024-11-18. Review status: criteria provided, single submitter. Criteria: Ambry Variant Classification Scheme 2023. Collection method: clinical testing. Allele origin: germline.

Blueprint Genetics
Classification: Likely benign. Last evaluated: 2024-08-29. Review status: criteria provided, single submitter. Criteria: ACMG Guidelines, 2015. Collection method: clinical testing. Allele origin: germline.